The following is an entry in ClinVar:

ClinVar aggregate classification (germline): Likely benign (0 of 4 stars; one submission).

Conditions:
CUL4B-related disorder. Also called: CUL4B-related condition.

Submission:

PreventionGenetics, part of Exact Sciences
Classification: Likely benign for CUL4B-related condition. Last evaluated: 2022-01-19. Review status: no assertion criteria provided. Collection method: clinical testing. Allele origin: germline.
Comment: This variant is classified as likely benign based on ACMG/AMP sequence variant interpretation guidelines (Richards et al. 2015 PMID: 25741868, with internal and published modifications).

NM_001079872.2(CUL4B):c.594C>A (p.Thr198=)

Gene: CUL4B (cullin 4B; minus strand). Cytogenetic location: Xq24.
Variant type: single nucleotide variant.
Coding change: c.594C>A on transcript NM_001079872.2 (MANE Select); coding-DNA position 594, C replaced by A.
Protein change: p.Thr198=; no amino-acid change (threonine 198 retained).
Molecular consequence: synonymous variant.
Genome position (GRCh38, 1-based): chrX:120,558,002, G>T on the plus strand (C>A on the coding strand, the complement: CUL4B is on the minus strand). VCF-style: chrX-120558002-G-T. GRCh37 (hg19) VCF-style: chrX-119691857-G-T.
Other names: c.609C>A, p.Thr203= (NM_001330624.2); c.60C>A, p.Thr20= (NM_001369145.1); c.648C>A, p.Thr216= (NM_003588.4).
Identifiers: ClinVar variation 3351578 (VCV003351578.1).